The following is an entry in ClinVar:

ClinVar aggregate classification (germline): Pathogenic. Review status: criteria provided, single submitter (1 of 4 stars). 2 submissions from 2 submitters: Pathogenic (1). 1 of the submissions does not count toward it. Last evaluated 2024-04-15.

Conditions:
RETINAL DYSTROPHY, ZEITZ-HAN TYPE (RDZH). Identifiers: MedGen CN381542, OMIM 621558.
Retinal dystrophy. Also called: Inherited retinal dystrophy. Identifiers: Orphanet 71862, MedGen C0854723, MeSH D058499, MONDO:0019118, HP:0000556.

Submissions (2):

NEI Ophthalmic Genomics Laboratory, National Institutes of Health
Classification: Pathogenic for Inherited retinal dystrophy. Last evaluated: 2024-04-15. Review status: criteria provided, single submitter. Criteria: ACMG Guidelines, 2015. Collection method: research. Allele origin: germline. Affected: yes.
Comment: The UBAP1L variant NM_001163692.2:c.121-2A>C was homozygous in two unrelated individuals with IRDs (PMID 39325468). This variant is absent in gnomAD v4.1.0 (PM2) and is predicted to result in the loss of a canonical splice site (PVS1). In summary, the variant NM_001163692.2:c.121-2A>C is classified as Pathogenic following the ACMG/AMP guidelines (PMID 25741868).

OMIM
Classification: Pathogenic for RETINAL DYSTROPHY, ZEITZ-HAN TYPE. Last evaluated: 2026-04-14. Review status: no assertion criteria provided. Collection method: literature only. Allele origin: germline. Not counted in ClinVar's aggregate classification.

Literature cited by the submitters: PubMed 39325468 (cited by OMIM); PubMed 28041643 (cited by OMIM).

NM_001163692.2(UBAP1L):c.121-2A>C

Gene: UBAP1L (ubiquitin associated protein 1 like; minus strand). Cytogenetic location: 15q22.31.
Variant type: single nucleotide variant.
Coding change: c.121-2A>C on transcript NM_001163692.2 (MANE Select); the canonical splice acceptor site of the intron before coding-DNA position 121, A replaced by C.
Molecular consequence: splice acceptor variant.
Genome position (GRCh38, 1-based): chr15:65,102,686, T>G on the plus strand (A>C on the coding strand, the complement: UBAP1L is on the minus strand). VCF-style: chr15-65102686-T-G. GRCh37 (hg19) VCF-style: chr15-65395024-T-G.
Other names: IVS2, A-C, -2.
Identifiers: ClinVar variation 3341497 (VCV003341497.3).